The following is an entry in ClinVar:

ClinVar aggregate classification (germline): Likely benign (1 of 4 stars; one submission).

Allele frequency attached by ClinVar (database versions not stated): TOPMed 0.00006; gnomAD 0.00012; gnomAD exomes 0.00013; ExAC 0.00016; 1000 Genomes Project 30x 0.00083; 1000 Genomes Project 0.00106.
gnomAD v4.1: 152 of 1,209,056 alleles (0.013%); highest among the groups gnomAD compares: East Asian, 0.43%; no homozygotes.

Submission:

CeGaT Center for Human Genetics Tuebingen
Classification: Likely benign. Last evaluated: 2022-03-01. Review status: criteria provided, single submitter. Criteria: CeGaT Center For Human Genetics Tuebingen Variant Classification Criteria Version 2. Collection method: clinical testing. Allele origin: germline. Affected: yes. Observed: 1 variant allele.
Comment: AFF2: BP4, BP7

NM_002025.4(AFF2):c.1992T>C (p.His664=)

Gene: AFF2 (ALF transcription elongation factor 2; plus strand). Cytogenetic location: Xq28.
Variant type: single nucleotide variant.
Coding change: c.1992T>C on transcript NM_002025.4 (MANE Select); coding-DNA position 1992, T replaced by C.
Protein change: p.His664=; no amino-acid change (histidine 664 retained).
Molecular consequence: synonymous variant.
Genome position (GRCh38, 1-based): chrX:148,956,037, T>C. VCF-style: chrX-148956037-T-C. GRCh37 (hg19) VCF-style: chrX-148037567-T-C.
Other names: c.1893T>C, p.His631= (NM_001169122.2); c.1962T>C, p.His654= (NM_001169123.2); c.1887T>C, p.His629= (NM_001169124.2); c.1875T>C, p.His625= (NM_001169125.2); c.915T>C, p.His305= (NM_001170628.1).
Identifiers: ClinVar variation 2661607 (VCV002661607.24), dbSNP rs201552726, ClinGen allele CA10537086.